The following is an entry in ClinVar:

ClinVar aggregate classification (germline): Uncertain significance (1 of 4 stars; one submission).

Conditions:
Immunodeficiency 28 (IMD28). Also called: IFNGR2 DEFICIENCY. Identifiers: Orphanet 319547, Orphanet 319574, MedGen C4013947, MONDO:0013953, OMIM 614889.

Submission:

Labcorp Genetics (formerly Invitae), Labcorp
Classification: Uncertain significance for Immunodeficiency 28. Last evaluated: 2022-03-12. Review status: criteria provided, single submitter. Criteria: Invitae Variant Classification Sherloc (09022015). Collection method: clinical testing. Allele origin: germline.
Comment: Experimental studies and prediction algorithms are not available or were not evaluated, and the functional significance of this variant is currently unknown. In summary, the available evidence is currently insufficient to determine the role of this variant in disease. Therefore, it has been classified as a Variant of Uncertain Significance. This variant has not been reported in the literature in individuals affected with IFNGR2-related conditions. This variant is not present in population databases (gnomAD no frequency). This variant, c.54_62del, results in the deletion of 3 amino acid(s) of the IFNGR2 protein (p.Ala20_Ala22del), but otherwise preserves the integrity of the reading frame.

NM_005534.4(IFNGR2):c.48CGC[2] (p.Ala20_Ala22del)

Genes: IFNGR2 (interferon gamma receptor 2; plus strand), LOC119266102 (IFNGR2 promoter region; plus strand). Cytogenetic location: 21q22.11.
Variant type: Microsatellite.
Coding change: c.48CGC[2] on transcript NM_005534.4 (MANE Select); two copies in a row of the 3-base unit CGC starting at c.48; the reference has five copies in a row; three copies, 9 bases deleted.
Protein change: p.Ala20_Ala22del.
Molecular consequence: inframe deletion.
Genome position (GRCh38, 1-based): chr21:33,403,597-33,403,605, CGCCGCCGC deleted; deleting any 9 consecutive bases within chr21:33,403,591-33,403,605 gives the same sequence; the position shown is the placement nearest the transcript's 3' end. VCF-style (leftmost placement, unchanged base first): chr21-33403590-TCGCCGCCGC-T. GRCh37 (hg19) VCF-style: chr21-34775896-TCGCCGCCGC-T.
Other names: c.48CGC[2], p.Ala20_Ala22del (NM_001329128.2).
Identifiers: ClinVar variation 1396547 (VCV001396547.6), dbSNP rs765468464, ClinGen allele CA920297169.